The following is an entry in ClinVar:

ClinVar aggregate classification (germline): Uncertain significance (1 of 4 stars; one submission).

Conditions:
Primary ciliary dyskinesia. Also called: Ciliary dyskinesia. Identifiers: Orphanet 244, MedGen C0008780, MONDO:0016575, HP:0012265.

gnomAD v4.1: 2 of 1,601,644 alleles (0.00012%); highest among the groups gnomAD compares: South Asian, 0.0023%; no homozygotes.

Submission:

Labcorp Genetics (formerly Invitae), Labcorp
Classification: Uncertain significance for Primary ciliary dyskinesia. Last evaluated: 2022-07-23. Review status: criteria provided, single submitter. Criteria: Invitae Variant Classification Sherloc (09022015). Collection method: clinical testing. Allele origin: germline.
Comment: This sequence change replaces phenylalanine, which is neutral and non-polar, with leucine, which is neutral and non-polar, at codon 3081 of the DNAH11 protein (p.Phe3081Leu). The frequency data for this variant in the population databases is considered unreliable, as metrics indicate poor data quality at this position in the gnomAD database. This variant has not been reported in the literature in individuals affected with DNAH11-related conditions. Advanced modeling of protein sequence and biophysical properties (such as structural, functional, and spatial information, amino acid conservation, physicochemical variation, residue mobility, and thermodynamic stability) performed at Invitae indicates that this missense variant is not expected to disrupt DNAH11 protein function. In summary, the available evidence is currently insufficient to determine the role of this variant in disease. Therefore, it has been classified as a Variant of Uncertain Significance.

NM_001277115.2(DNAH11):c.9243T>A (p.Phe3081Leu)

Gene: DNAH11 (dynein axonemal heavy chain 11; plus strand). Cytogenetic location: 7p15.3.
Variant type: single nucleotide variant.
Coding change: c.9243T>A on transcript NM_001277115.2 (MANE Select); coding-DNA position 9243, T replaced by A.
Protein change: p.Phe3081Leu; replaces phenylalanine 3081 with leucine.
Molecular consequence: missense variant.
Genome position (GRCh38, 1-based): chr7:21,773,906, T>A. VCF-style: chr7-21773906-T-A. GRCh37 (hg19) VCF-style: chr7-21813524-T-A.
Other names: c.9264T>A, p.Phe3088Leu (NM_003777.3); short protein forms F3081L, F3088L.
Identifiers: ClinVar variation 1980816 (VCV001980816.1), dbSNP rs367808905, ClinGen allele CA4181906.
Genomic context (GRCh38, chr7:21,773,906, plus strand): 5'-GAATGAGAGAAGACACAACTATACCACCCCAAAGAGTTTTCTAGAACAAATATCACTGTT[T>A]AAGAACCTGTTGAAGAAGAAGCAAAATGAGGTATCCGAGAAAAAAGAACGCCTGGTGAAC-3'
Protein context (NP_001264044.1, residues 3071-3091): PKSFLEQISL[Phe3081Leu]KNLLKKKQNE